The following is an entry in ClinVar:

NM_000921.5(PDE3A):c.506G>C (p.Gly169Ala)

Genes: PDE3A (phosphodiesterase 3A; plus strand), PDE3A-AS1 (PDE3A antisense RNA 1; minus strand), LOC124625920 (Sharpr-MPRA regulatory region 8059; plus strand). Cytogenetic location: 12p12.2.
Variant type: single nucleotide variant.
Coding change: c.506G>C on transcript NM_000921.5 (MANE Select); coding-DNA position 506, G replaced by C.
Protein change: p.Gly169Ala; replaces glycine 169 with alanine.
Molecular consequence: missense variant. On other transcripts: 5 prime UTR variant (1).
Genome position (GRCh38, 1-based): chr12:20,369,790, G>C. VCF-style: chr12-20369790-G-C. GRCh37 (hg19) VCF-style: chr12-20522724-G-C.
Other names: c.506G>C, p.Gly169Ala (NM_001378407.1); c.-523G>C (NM_001378408.1); short protein forms G169A.
Identifiers: ClinVar variation 2072829 (VCV002072829.6), dbSNP rs760787571, ClinGen allele CA6473441.

ClinVar aggregate classification (germline): Uncertain significance. Review status: criteria provided, multiple submitters, no conflicts (2 of 4 stars). 2 submissions from 2 submitters: Uncertain significance (2). Last evaluated 2025-08-10.

Conditions:
Inborn genetic diseases. Identifiers: MedGen C0950123, MeSH D030342.

Allele frequency attached by ClinVar (database versions not stated): 1000 Genomes Project 30x 0.00031.
gnomAD v4.1: 43 of 1,612,560 alleles (0.0027%); highest among the groups gnomAD compares: Admixed American, 0.03%; no homozygotes.

Submissions (2):

Ambry Genetics
Classification: Uncertain significance for Inborn genetic diseases. Last evaluated: 2025-08-10. Review status: criteria provided, single submitter. Criteria: Ambry Variant Classification Scheme 2023. Collection method: clinical testing. Allele origin: germline.

Labcorp Genetics (formerly Invitae), Labcorp
Classification: Uncertain significance. Last evaluated: 2022-07-13. Review status: criteria provided, single submitter. Criteria: Invitae Variant Classification Sherloc (09022015). Collection method: clinical testing. Allele origin: germline.
Comment: This sequence change replaces glycine, which is neutral and non-polar, with alanine, which is neutral and non-polar, at codon 169 of the PDE3A protein (p.Gly169Ala). This variant is present in population databases (rs760787571, gnomAD 0.05%), and has an allele count higher than expected for a pathogenic variant. This variant has not been reported in the literature in individuals affected with PDE3A-related conditions. Algorithms developed to predict the effect of missense changes on protein structure and function output the following: SIFT: "Tolerated"; PolyPhen-2: "Benign"; Align-GVGD: "Class C0". The alanine amino acid residue is found in multiple mammalian species, which suggests that this missense change does not adversely affect protein function. In summary, the available evidence is currently insufficient to determine the role of this variant in disease. Therefore, it has been classified as a Variant of Uncertain Significance.